The following is an entry in ClinVar:

NM_144508.5(KNL1):c.2601C>T (p.Asp867=)

Gene: KNL1 (kinetochore scaffold 1; plus strand). Cytogenetic location: 15q15.1.
Variant type: single nucleotide variant.
Coding change: c.2601C>T on transcript NM_144508.5 (MANE Select); coding-DNA position 2601, C replaced by T.
Protein change: p.Asp867=; no amino-acid change (aspartic acid 867 retained).
Molecular consequence: synonymous variant.
Genome position (GRCh38, 1-based): chr15:40,622,865, C>T. VCF-style: chr15-40622865-C-T. GRCh37 (hg19) VCF-style: chr15-40915063-C-T.
Other names: c.2679C>T, p.Asp893= (NM_170589.5).
Identifiers: ClinVar variation 2645179 (VCV002645179.24), dbSNP rs762041719, ClinGen allele CA7482883.

ClinVar aggregate classification (germline): Likely benign (1 of 4 stars; one submission).

Allele frequency attached by ClinVar (database versions not stated): ExAC 0.00001; gnomAD exomes 0.00002; TOPMed 0.00002; gnomAD 0.00003.
gnomAD v4.1: 33 of 1,612,838 alleles (0.002%); highest among the groups gnomAD compares: South Asian, 0.013%; no homozygotes.

Submission:

CeGaT Center for Human Genetics Tuebingen
Classification: Likely benign. Last evaluated: 2023-09-01. Review status: criteria provided, single submitter. Criteria: CeGaT Center For Human Genetics Tuebingen Variant Classification Criteria Version 2. Collection method: clinical testing. Allele origin: germline. Affected: yes. Observed: 1 variant allele.
Comment: KNL1: BP4, BP7